The following is an entry in ClinVar:

NM_001379500.1(COL18A1):c.872C>T (p.Thr291Met)

Gene: COL18A1 (collagen type XVIII alpha 1 chain; plus strand). Cytogenetic location: 21q22.3.
Variant type: single nucleotide variant.
Coding change: c.872C>T on transcript NM_001379500.1 (MANE Select); coding-DNA position 872, C replaced by T.
Protein change: p.Thr291Met; replaces threonine 291 with methionine.
Molecular consequence: missense variant.
Genome position (GRCh38, 1-based): chr21:45,476,424, C>T. VCF-style: chr21-45476424-C-T. GRCh37 (hg19) VCF-style: chr21-46896338-C-T.
Other names: NM_130445.2:c.872C>T; c.1412C>T, p.Thr471Met (NM_030582.4); c.2117C>T, p.Thr706Met (NM_130444.3); short protein forms T471M, T706M, T291M.
Identifiers: ClinVar variation 1447065 (VCV001447065.6), dbSNP rs201652671, ClinGen allele CA10065972.

ClinVar aggregate classification (germline): Uncertain significance. Review status: criteria provided, multiple submitters, no conflicts (2 of 4 stars). 3 submissions from 3 submitters: Uncertain significance (3). Last evaluated 2023-12-06.

Conditions:
Inborn genetic diseases. Identifiers: MedGen C0950123, MeSH D030342.

Allele frequency attached by ClinVar (database versions not stated): gnomAD exomes 0.00003 and 0.00005; ExAC 0.00004; TOPMed 0.00012; 1000 Genomes Project 30x 0.00016; ESP Exome Variant Server 0.00016; 1000 Genomes Project 0.00020.
gnomAD v4.1: 65 of 1,614,086 alleles (0.004%); highest among the groups gnomAD compares: Middle Eastern, 0.082%; no homozygotes.

Submissions (3):

Labcorp Genetics (formerly Invitae), Labcorp
Classification: Uncertain significance. Last evaluated: 2023-12-06. Review status: criteria provided, single submitter. Criteria: Invitae Variant Classification Sherloc (09022015). Collection method: clinical testing. Allele origin: germline.
Comment: This sequence change replaces threonine, which is neutral and polar, with methionine, which is neutral and non-polar, at codon 291 of the COL18A1 protein (p.Thr291Met). This variant is present in population databases (rs201652671, gnomAD 0.05%). This variant has not been reported in the literature in individuals affected with COL18A1-related conditions. ClinVar contains an entry for this variant (Variation ID: 1447065). Experimental studies and prediction algorithms are not available or were not evaluated, and the functional significance of this variant is currently unknown. In summary, the available evidence is currently insufficient to determine the role of this variant in disease. Therefore, it has been classified as a Variant of Uncertain Significance.

Blueprint Genetics
Classification: Uncertain significance. Last evaluated: 2021-12-23. Review status: criteria provided, single submitter. Criteria: ACMG Guidelines, 2015. Collection method: clinical testing. Allele origin: germline.

Ambry Genetics
Classification: Uncertain significance for Inborn genetic diseases. Last evaluated: 2021-06-21. Review status: criteria provided, single submitter. Criteria: Ambry Variant Classification Scheme 2023. Collection method: clinical testing. Allele origin: germline.